The following is an entry in ClinVar:

NM_003998.4(NFKB1):c.1071_1074del (p.Glu358fs)

Gene: NFKB1 (nuclear factor kappa B subunit 1; plus strand). Cytogenetic location: 4q24.
Variant type: Deletion.
Coding change: c.1071_1074del on transcript NM_003998.4 (MANE Select); coding-DNA positions 1071 to 1074, 4 bases deleted (AGAA; older notation c.1071_1074delAGAA).
Protein change: p.Glu358fs; shifts the reading frame from glutamic acid 358.
Molecular consequence: frameshift variant.
Genome position (GRCh38, 1-based): chr4:102,593,429-102,593,432, AGAA deleted; deleting any 4 consecutive bases within chr4:102,593,427-102,593,432 gives the same sequence; the c. name uses the placement nearest the transcript's 3' end. VCF-style (leftmost placement, unchanged base first): chr4-102593426-TAAAG-T. GRCh37 (hg19) VCF-style: chr4-103514583-TAAAG-T.
Other names: c.1068_1071del, p.Glu357fs (NM_001165412.2, NM_001319226.2); short protein forms E358fs, E357fs.
Identifiers: ClinVar variation 817383 (VCV000817383.1), dbSNP rs1578805410, ClinGen allele CA915943152.

ClinVar aggregate classification (germline): Pathogenic (1 of 4 stars; one submission).

Submission:

GeneDx
Classification: Pathogenic. Last evaluated: 2019-07-26. Review status: criteria provided, single submitter. Criteria: GeneDx Variant Classification (06012015). Collection method: clinical testing. Allele origin: germline. Affected: yes.
Comment: The c.1071_1074delAGAA variant in the NFKB1 gene has not been reported previously as a pathogenic variant nor as a benign variant, to our knowledge. The c.1071_1074delAGAA variant causes a frameshift starting with codon Glutamic Acid 358 changes this amino acid to a Lysine residue, and creates a premature Stop codon at position 73 of the new reading frame, denoted p.Glu358LysfsX73. This variant is predicted to cause loss of normal protein function either through protein truncation or nonsense-mediated mRNA decay. The c.1071_1074delAGAA variant is not observed in large population cohorts (Lek et al., 2016). We interpret c.1071_1074delAGAA as a pathogenic variant.